The following is an entry in ClinVar:

ClinVar aggregate classification (germline): Uncertain significance. Review status: criteria provided, multiple submitters, no conflicts (2 of 4 stars). 3 submissions from 3 submitters: Uncertain significance (3). Last evaluated 2025-12-23.

Conditions:
TTN-related disorder. Also called: TTN-related condition; TTN-related disease; TTN-related disorders.
Primary dilated cardiomyopathy (DCM). Also called: Dilated Cardiomyopathy. Identifiers: Orphanet 217604, MedGen C0007193, MeSH D002311, MONDO:0005021, HP:0001644. Inheritance: Various modes of inheritance.

Allele frequency attached by ClinVar (database versions not stated): gnomAD exomes below 0.00001; TOPMed 0.00001; ExAC 0.00002.
gnomAD v4.1: 6 of 1,596,182 alleles (0.00038%); highest among the groups gnomAD compares: Admixed American, 0.0069%; no homozygotes.

Submissions (3):

PreventionGenetics, part of Exact Sciences
Classification: Uncertain significance for TTN-related condition. Last evaluated: 2025-12-23. Review status: criteria provided, single submitter. Criteria: ACMG Guidelines, 2015. Collection method: clinical testing. Allele origin: germline.
Comment: The TTN c.40520G>A variant is predicted to result in the amino acid substitution p.Arg13507His. To our knowledge, this variant has not been reported in the literature. This variant is reported in 0.0093% of alleles in individuals of Latino descent in gnomAD. At this time, the clinical significance of this variant is uncertain due to the absence of conclusive functional and genetic evidence.

Mayo Clinic Laboratories, Mayo Clinic
Classification: Uncertain significance. Last evaluated: 2021-12-06. Review status: criteria provided, single submitter. Criteria: ACMG Guidelines, 2015. Collection method: clinical testing. Allele origin: germline.

Genetics and Genomics Program, Sidra Medicine
Classification: Uncertain significance for Primary dilated cardiomyopathy. Review status: criteria provided, single submitter. Criteria: ACMG Guidelines, 2015. Collection method: research. Allele origin: unknown. Affected: yes. Observed: 1 variant allele.

NM_001267550.2(TTN):c.40520G>A (p.Arg13507His)

Gene: TTN (titin; minus strand). Cytogenetic location: 2q31.2.
Variant type: single nucleotide variant.
Coding change: c.40520G>A on transcript NM_001267550.2 (MANE Select); coding-DNA position 40520, G replaced by A.
Protein change: p.Arg13507His; replaces arginine 13507 with histidine.
Molecular consequence: missense variant.
Genome position (GRCh38, 1-based): chr2:178,642,275, C>T on the plus strand (G>A on the coding strand, the complement: TTN is on the minus strand). VCF-style: chr2-178642275-C-T. GRCh37 (hg19) VCF-style: chr2-179507002-C-T.
Other names: p.Arg11866His; c.35597G>A, p.Arg11866His (NM_001256850.1); c.13325G>A, p.Arg4442His (NM_003319.4); c.32816G>A, p.Arg10939His (NM_133378.4); c.13700G>A, p.Arg4567His (NM_133432.3); c.13901G>A, p.Arg4634His (NM_133437.4); short protein forms R10939H, R11866H, R13507H, R4442H, R4567H, R4634H.
Identifiers: ClinVar variation 978766 (VCV000978766.6), dbSNP rs771858747, ClinGen allele CA1996466.